The following is an entry in ClinVar:

ClinVar aggregate classification (germline): Likely pathogenic (1 of 4 stars; one submission).

Conditions:
Autosomal recessive limb-girdle muscular dystrophy type 2J (LGMDR10). Also called: Limb-girdle muscular dystrophy, type 2J; MUSCULAR DYSTROPHY, LIMB-GIRDLE, AUTOSOMAL RECESSIVE 10. Identifiers: Orphanet 140922, MedGen C1837342, MONDO:0012127, OMIM 608807.
Dilated cardiomyopathy 1G (CMD1G). Identifiers: Orphanet 154, MedGen C1858763, MONDO:0011400, OMIM 604145.

Submission:

Labcorp Genetics (formerly Invitae), Labcorp
Classification: Likely pathogenic for Dilated cardiomyopathy 1G; Autosomal recessive limb-girdle muscular dystrophy type 2J. Last evaluated: 2025-04-27. Review status: criteria provided, single submitter. Criteria: Invitae Variant Classification Sherloc (09022015). Collection method: clinical testing. Allele origin: germline.
Comment: This sequence change creates a premature translational stop signal (p.Gln11707*) in the TTN gene. While this is not anticipated to result in nonsense mediated decay, it is expected to create a truncated TTN protein. This variant is not present in population databases (gnomAD no frequency). This variant has not been reported in the literature in individuals affected with TTN-related conditions. This variant is located in the I band of TTN (PMID: 25589632). Truncating variants in this region have been reported in individuals affected with autosomal recessive centronuclear myopathy (PMID: 23975875, internal data). Truncating variants in this region have also been identified in individuals affected with autosomal dominant dilated cardiomyopathy and/or cardio-related conditions (PMID: 27869827, 32964742, internal data). In summary, the currently available evidence indicates that the variant is pathogenic, but additional data are needed to prove that conclusively. Therefore, this variant has been classified as Likely Pathogenic.

Literature cited by the submitters: PubMed 25589632; PubMed 23975875; PubMed 27869827; PubMed 32964742.

NM_001267550.2(TTN):c.35119C>T (p.Gln11707Ter)

Gene: TTN (titin; minus strand). Cytogenetic location: 2q31.2.
Variant type: single nucleotide variant.
Coding change: c.35119C>T on transcript NM_001267550.2 (MANE Select); coding-DNA position 35119, C replaced by T.
Protein change: p.Gln11707Ter; replaces glutamine 11707 with a stop codon.
Molecular consequence: nonsense. On other transcripts: intron variant (3).
Genome position (GRCh38, 1-based): chr2:178,672,079, G>A on the plus strand (C>T on the coding strand, the complement: TTN is on the minus strand). VCF-style: chr2-178672079-G-A. GRCh37 (hg19) VCF-style: chr2-179536806-G-A.
Other names: c.33997C>T, p.Gln11333Ter (NM_001256850.1); c.31216C>T, p.Gln10406Ter (NM_133378.4); c.13283-29762C>T (NM_003319.4); c.13859-29762C>T (NM_133437.4); c.13658-29762C>T (NM_133432.3); short protein forms Q11707*, Q11333*, Q10406*.
Identifiers: ClinVar variation 4784848 (VCV004784848.1).